The following is an entry in ClinVar:

ClinVar aggregate classification (germline): Pathogenic/Likely pathogenic. Review status: criteria provided, multiple submitters, no conflicts (2 of 4 stars). 2 submissions from 2 submitters: Pathogenic (1); Likely pathogenic (1). Last evaluated 2025-06-10.

Conditions:
DYNC2H1-related disorder. Also called: DYNC2H1-related disorders; DYNC2H1-related condition. Identifiers: MedGen CN378770.
Asphyxiating thoracic dystrophy 3. Also called: Saldino-Noonan Syndrome; SHORT-RIB THORACIC DYSPLASIA 3 WITH OR WITHOUT POLYDACTYLY; POLYDACTYLY WITH NEONATAL CHONDRODYSTROPHY, TYPE I; SHORT-RIB THORACIC DYSPLASIA 3/6 WITH POLYDACTYLY, DIGENIC; Short rib polydactyly syndrome 2B. Identifiers: Orphanet 474, Orphanet 93269, Orphanet 93270, Orphanet 93271, MedGen C0036069, MONDO:0013127, OMIM 613091.

Submissions (2):

Myriad Genetics, Inc.
Classification: Pathogenic for Asphyxiating thoracic dystrophy 3. Last evaluated: 2025-06-10. Review status: criteria provided, single submitter. Criteria: Myriad Autosomal Dominant, Autosomal Recessive and X-Linked Classification Criteria (2023). Collection method: clinical testing. Allele origin: unknown.
Comment: NM_001377.2(DYNC2H1):c.4047G>A(W1349*) is expected to be pathogenic in the context of DYNC2H1-related disorders. This variant is predicted to lead to an abnormal or absent protein product due to the creation of a premature termination codon in DYNC2H1, a gene where loss-of-function variants are known to be pathogenic. Please note: this variant was assessed in the context of healthy population screening.

PreventionGenetics, part of Exact Sciences
Classification: Likely pathogenic for DYNC2H1-related condition. Last evaluated: 2023-05-03. Review status: criteria provided, single submitter. Criteria: ACMG Guidelines, 2015. Collection method: clinical testing. Allele origin: germline.
Comment: The DYNC2H1 c.4047G>A variant is predicted to result in premature protein termination (p.Trp1349*). To our knowledge, this variant has not been reported in the literature or in a large population database, indicating this variant is rare. Nonsense variants in DYNC2H1 are expected to be pathogenic. This variant is interpreted as likely pathogenic.

NM_001377.3(DYNC2H1):c.4047G>A (p.Trp1349Ter)

Gene: DYNC2H1 (dynein cytoplasmic 2 heavy chain 1; plus strand). Cytogenetic location: 11q22.3.
Variant type: single nucleotide variant.
Coding change: c.4047G>A on transcript NM_001377.3 (MANE Select); coding-DNA position 4047, G replaced by A.
Protein change: p.Trp1349Ter; replaces tryptophan 1349 with a stop codon.
Molecular consequence: nonsense.
Genome position (GRCh38, 1-based): chr11:103,156,690, G>A. VCF-style: chr11-103156690-G-A. GRCh37 (hg19) VCF-style: chr11-103027419-G-A.
Other names: c.4047G>A, p.Trp1349Ter (NM_001080463.2); short protein forms W1349*.
Identifiers: ClinVar variation 2632787 (VCV002632787.2), dbSNP rs2497063106, ClinGen allele CA382275622.
Genomic context (GRCh38, chr11:103,156,690, plus strand): 5'-AAGAAAACTTGCAGAGTTAGATGAATACCTGCAGAATTTAAATCATATTCAGAGAAAGTG[G>A]GTGTATTTGGAACCCATTTTCGGCCGTGGAGCATTGCCAAAAGAACAGACACGCTTCAAC-3'